The following is an entry in ClinVar:

ClinVar aggregate classification (germline): Likely benign. Review status: criteria provided, single submitter (1 of 4 stars). 2 submissions from 2 submitters: Likely benign (1). 1 of the submissions does not count toward it. Last evaluated 2026-02-01.

Conditions:
KCNQ1-related disorder. Also called: KCNQ1-related condition; KCNQ1-related disorders. Identifiers: MedGen CN239322.

Allele frequency attached by ClinVar (database versions not stated): 1000 Genomes Project 30x 0.00016; TOPMed 0.00025; gnomAD 0.00052; gnomAD exomes 0.00069.
gnomAD v4.1: 243 of 398,424 alleles (0.061%); highest among the groups gnomAD compares: Non-Finnish European, 0.087%; 1 homozygote.

Submissions (2):

CeGaT Center for Human Genetics Tuebingen
Classification: Likely benign. Last evaluated: 2026-02-01. Review status: criteria provided, single submitter. Criteria: CeGaT Center For Human Genetics Tuebingen Variant Classification Criteria Version 2. Collection method: clinical testing. Allele origin: germline. Affected: yes. Observed: 5 variant alleles.
Comment: KCNQ1OT1: BS1

PreventionGenetics, part of Exact Sciences
Classification: Likely benign for KCNQ1-related condition. Last evaluated: 2022-07-20. Review status: no assertion criteria provided. Collection method: clinical testing. Allele origin: germline. Not counted in ClinVar's aggregate classification.
Comment: This variant is classified as likely benign based on ACMG/AMP sequence variant interpretation guidelines (Richards et al. 2015 PMID: 25741868, with internal and published modifications).

NM_000218.3(KCNQ1):c.1393+29271C>G

Genes: KCNQ1 (potassium voltage-gated channel subfamily Q member 1; plus strand), KCNQ1OT1 (KCNQ1 opposite strand/antisense transcript 1; minus strand). Cytogenetic location: 11p15.5.
Variant type: single nucleotide variant.
Coding change: c.1393+29271C>G on transcript NM_000218.3 (MANE Select); 29271 bases into the intron after coding-DNA position 1393, C replaced by G.
Molecular consequence: intron variant. On other transcripts: non-coding transcript variant (1).
Genome position (GRCh38, 1-based): chr11:2,618,125, C>G. VCF-style: chr11-2618125-C-G. GRCh37 (hg19) VCF-style: chr11-2639355-C-G.
Other names: c.1393+29271C>G (NM_000218.2); c.1123+29271C>G (NM_001406837.1); c.1297+29271C>G (NM_001406836.1); c.853+29271C>G (NM_001406838.1); c.1012+29271C>G (NM_181798.2).
Identifiers: ClinVar variation 2641376 (VCV002641376.25), dbSNP rs113339032, ClinGen allele CA216360858.